The following is an entry in ClinVar:

NM_012434.5(SLC17A5):c.290C>T (p.Thr97Met)

Gene: SLC17A5 (solute carrier family 17 member 5; minus strand). Cytogenetic location: 6q13.
Variant type: single nucleotide variant.
Coding change: c.290C>T on transcript NM_012434.5 (MANE Select); coding-DNA position 290, C replaced by T.
Protein change: p.Thr97Met; replaces threonine 97 with methionine.
Molecular consequence: missense variant. On other transcripts: intron variant (2).
Genome position (GRCh38, 1-based): chr6:73,644,408, G>A on the plus strand (C>T on the coding strand, the complement: SLC17A5 is on the minus strand). VCF-style: chr6-73644408-G-A. GRCh37 (hg19) VCF-style: chr6-74354131-G-A.
Other names: c.290C>T (NM_012434.4); c.290C>T, p.Thr97Met (NM_001382630.1, NM_001382632.1, NM_001382633.1 and 2 more transcripts); c.311C>T, p.Thr104Met (NM_001382631.1); c.61-2484C>T (NM_001382636.1, NM_001382629.1); short protein forms T104M, T97M.
Identifiers: ClinVar variation 2199772 (VCV002199772.3), dbSNP rs554114742, ClinGen allele CA3890572.

ClinVar aggregate classification (germline): Uncertain significance. Review status: criteria provided, multiple submitters, no conflicts (2 of 4 stars). 3 submissions from 3 submitters: Uncertain significance (3). Last evaluated 2024-10-04.

Conditions:
Inborn genetic diseases. Identifiers: MedGen C0950123, MeSH D030342.
Salla disease (SD). Also called: Sialuria, Finnish type; N-acetylneuraminic acid (NANA) storage disease (NSD); Infantile sialic acid storage disorder (ISSD); Less Severe FSASD (Salla Disease). Identifiers: Orphanet 309334, Orphanet 834, MedGen C1096903, MONDO:0011449, OMIM 604369.
Sialic acid storage disease, severe infantile type (ISSD). Also called: Infantile Sialic Acid Storage Disease; INFANTILE SIALIC ACID STORAGE DISORDER; N-ACETYLNEURAMINIC ACID STORAGE DISEASE; NANA STORAGE DISEASE; SIALURIA, INFANTILE FORM; Free sialic acid storage disease, infantile form. Identifiers: Orphanet 309324, Orphanet 834, MedGen C1096902, MONDO:0010027, OMIM 269920.

Allele frequency attached by ClinVar (database versions not stated): gnomAD exomes 0.00002; ExAC 0.00005; gnomAD 0.00009; TOPMed 0.00009; 1000 Genomes Project 30x 0.00016; 1000 Genomes Project 0.00020.
gnomAD v4.1: 40 of 1,611,462 alleles (0.0025%); highest among the groups gnomAD compares: African/African-American, 0.039%; no homozygotes.

Submissions (3):

Ambry Genetics
Classification: Uncertain significance for Inborn genetic diseases. Last evaluated: 2024-10-04. Review status: criteria provided, single submitter. Criteria: Ambry Variant Classification Scheme 2023. Collection method: clinical testing. Allele origin: germline.

Fulgent Genetics
Classification: Uncertain significance for Sialic acid storage disease, severe infantile type; Salla disease. Last evaluated: 2024-06-05. Review status: criteria provided, single submitter. Criteria: ACMG Guidelines, 2015. Collection method: clinical testing. Allele origin: germline.

Labcorp Genetics (formerly Invitae), Labcorp
Classification: Uncertain significance for Salla disease. Last evaluated: 2022-07-17. Review status: criteria provided, single submitter. Criteria: Invitae Variant Classification Sherloc (09022015). Collection method: clinical testing. Allele origin: germline.
Comment: This sequence change replaces threonine, which is neutral and polar, with methionine, which is neutral and non-polar, at codon 97 of the SLC17A5 protein (p.Thr97Met). This variant is present in population databases (rs554114742, gnomAD 0.03%). This variant has not been reported in the literature in individuals affected with SLC17A5-related conditions. Algorithms developed to predict the effect of missense changes on protein structure and function output the following: SIFT: "Deleterious"; PolyPhen-2: "Possibly Damaging"; Align-GVGD: "Class C0". The methionine amino acid residue is found in multiple mammalian species, which suggests that this missense change does not adversely affect protein function. Algorithms developed to predict the effect of sequence changes on RNA splicing suggest that this variant may disrupt the consensus splice site. In summary, the available evidence is currently insufficient to determine the role of this variant in disease. Therefore, it has been classified as a Variant of Uncertain Significance.